The following is an entry in ClinVar:

ClinVar aggregate classification (germline): Uncertain significance (1 of 4 stars; one submission).

Allele frequency attached by ClinVar (database versions not stated): gnomAD 0.00003 and 0.00004; gnomAD exomes 0.00004.
gnomAD v4.1: 43 of 1,094,356 alleles (0.0039%); highest among the groups gnomAD compares: Non-Finnish European, 0.0047%; no homozygotes.

Submission:

Labcorp Genetics (formerly Invitae), Labcorp
Classification: Uncertain significance. Last evaluated: 2025-07-06. Review status: criteria provided, single submitter. Criteria: Invitae Variant Classification Sherloc (09022015). Collection method: clinical testing. Allele origin: germline.
Comment: This sequence change replaces valine, which is neutral and non-polar, with methionine, which is neutral and non-polar, at codon 940 of the GRIN2D protein (p.Val940Met). The frequency data for this variant in the population databases is considered unreliable, as metrics indicate insufficient coverage at this position in the gnomAD database. This variant has not been reported in the literature in individuals affected with GRIN2D-related conditions. ClinVar contains an entry for this variant (Variation ID: 1488976). Invitae Evidence Modeling of protein sequence and biophysical properties (such as structural, functional, and spatial information, amino acid conservation, physicochemical variation, residue mobility, and thermodynamic stability) indicates that this missense variant is not expected to disrupt GRIN2D protein function with a negative predictive value of 95%. In summary, the available evidence is currently insufficient to determine the role of this variant in disease. Therefore, it has been classified as a Variant of Uncertain Significance.

NM_000836.4(GRIN2D):c.2818G>A (p.Val940Met)

Gene: GRIN2D (glutamate ionotropic receptor NMDA type subunit 2D; plus strand). Cytogenetic location: 19q13.33.
Variant type: single nucleotide variant.
Coding change: c.2818G>A on transcript NM_000836.4 (MANE Select); coding-DNA position 2818, G replaced by A.
Protein change: p.Val940Met; replaces valine 940 with methionine.
Molecular consequence: missense variant.
Genome position (GRCh38, 1-based): chr19:48,442,744, G>A. VCF-style: chr19-48442744-G-A. GRCh37 (hg19) VCF-style: chr19-48946001-G-A.
Other names: short protein forms V940M.
Identifiers: ClinVar variation 1488976 (VCV001488976.8), dbSNP rs1321086493, ClinGen allele CA406673826.
Genomic context (GRCh38, chr19:48,442,744, plus strand): 5'-TACCCCGCGCCGCGGCCGGCTCCCGGGCCCGCACCTTTCGTGCCCCGCGAGCGCGCCTCA[G>A]TGGACCGCTGGCGCCGGACCAAGGGCGCGGGGCCGCCGGGGGGCGCGGGCCTGGCCGACG-3'
Protein context (NP_000827.2, residues 930-950): APFVPRERAS[Val940Met]DRWRRTKGAG